The following is an entry in ClinVar:

NM_016507.4(CDK12):c.869G>A (p.Arg290Gln)

Genes: CDK12 (cyclin dependent kinase 12; plus strand), LOC126862553 (CDK7 strongly-dependent group 2 enhancer GRCh37_chr17:37618166-37619365; plus strand). Cytogenetic location: 17q12.
Variant type: single nucleotide variant.
Coding change: c.869G>A on transcript NM_016507.4 (MANE Select); coding-DNA position 869, G replaced by A.
Protein change: p.Arg290Gln; replaces arginine 290 with glutamine.
Molecular consequence: missense variant.
Genome position (GRCh38, 1-based): chr17:39,462,940, G>A. VCF-style: chr17-39462940-G-A. GRCh37 (hg19) VCF-style: chr17-37619193-G-A.
Other names: c.869G>A, p.Arg290Gln (NM_015083.4); short protein forms R290Q.
Identifiers: ClinVar variation 4868534 (VCV004868534.1).

ClinVar aggregate classification (germline): Uncertain significance (1 of 4 stars; one submission).

Submission:

Ambry Genetics
Classification: Uncertain significance. Last evaluated: 2026-05-14. Review status: criteria provided, single submitter. Criteria: Ambry Variant Classification Scheme 2023. Collection method: clinical testing. Allele origin: germline.
Comment: The p.R290Q variant (also known as c.869G>A), located in coding exon 1 of the CDK12 gene, results from a G to A substitution at nucleotide position 869. The arginine at codon 290 is replaced by glutamine, an amino acid with highly similar properties. This amino acid position is conserved. In addition, this alteration is predicted to be tolerated by in silico analysis. Based on the available evidence, the clinical significance of this variant remains unclear.